The following is an entry in ClinVar:

NM_001374353.1(GLI2):c.3665C>T (p.Thr1222Ile)

Gene: GLI2 (GLI family zinc finger 2; plus strand). Cytogenetic location: 2q14.2.
Variant type: single nucleotide variant.
Coding change: c.3665C>T on transcript NM_001374353.1 (MANE Select); coding-DNA position 3665, C replaced by T.
Protein change: p.Thr1222Ile; replaces threonine 1222 with isoleucine.
Molecular consequence: missense variant.
Genome position (GRCh38, 1-based): chr2:120,989,630, C>T. VCF-style: chr2-120989630-C-T. GRCh37 (hg19) VCF-style: chr2-121747206-C-T.
Other names: c.3716C>T, p.Thr1239Ile (NM_001371271.1, NM_005270.5); c.3290C>T, p.Thr1097Ile (NM_001374354.1); c.3716C>T (NM_005270.4); short protein forms T1239I, T1097I, T1222I.
Identifiers: ClinVar variation 2923111 (VCV002923111.4), dbSNP rs372563328, ClinGen allele CA1852465.
Genomic context (GRCh38, chr2:120,989,630, plus strand): 5'-TAAACTACATGCAGCAGCTGCGACAGCCAGTGGCAGGCAGCCAGTGTCCTGGCATGACTA[C>T]CACTATGAGCCCCCATGCCTGCTATGGCCAAGTCCACCCCCAGCTGAGCCCCAGCACCAT-3'
Protein context (NP_001361282.1, residues 1212-1232): VAGSQCPGMT[Thr1222Ile]TMSPHACYGQ

ClinVar aggregate classification (germline): Uncertain significance. Review status: criteria provided, multiple submitters, no conflicts (2 of 4 stars). 2 submissions from 2 submitters: Uncertain significance (2). Last evaluated 2025-06-30.

Conditions:
Inborn genetic diseases. Identifiers: MedGen C0950123, MeSH D030342.
Holoprosencephaly 9 (HPE9). Also called: PITUITARY ANOMALIES WITH HOLOPROSENCEPHALY-LIKE FEATURES; HOLOPROSENCEPHALY WITH MICROPHTHALMIA AND FIRST BRANCHIAL ARCH ANOMALIES. Identifiers: Orphanet 2162, MedGen C1835819, MONDO:0012563, OMIM 610829.
Postaxial polydactyly-anterior pituitary anomalies-facial dysmorphism syndrome. Also called: Culler-Jones syndrome. Identifiers: Orphanet 420584, MedGen C4014479, MONDO:0014369, OMIM 615849.

Allele frequency attached by ClinVar (database versions not stated): gnomAD 0.00003; TOPMed 0.00003; ESP Exome Variant Server 0.00008.
gnomAD v4.1: 7 of 1,613,202 alleles (0.00043%); highest among the groups gnomAD compares: African/African-American, 0.0093%; no homozygotes.

Submissions (2):

Ambry Genetics
Classification: Uncertain significance for Inborn genetic diseases. Last evaluated: 2025-06-30. Review status: criteria provided, single submitter. Criteria: Ambry Variant Classification Scheme 2023. Collection method: clinical testing. Allele origin: germline.

Labcorp Genetics (formerly Invitae), Labcorp
Classification: Uncertain significance for Postaxial polydactyly-anterior pituitary anomalies-facial dysmorphism syndrome; Holoprosencephaly 9. Last evaluated: 2023-10-22. Review status: criteria provided, single submitter. Criteria: Invitae Variant Classification Sherloc (09022015). Collection method: clinical testing. Allele origin: germline.
Comment: This sequence change replaces threonine, which is neutral and polar, with isoleucine, which is neutral and non-polar, at codon 1239 of the GLI2 protein (p.Thr1239Ile). This variant is present in population databases (rs372563328, gnomAD 0.008%). This variant has not been reported in the literature in individuals affected with GLI2-related conditions. An algorithm developed to predict the effect of missense changes on protein structure and function (PolyPhen-2) suggests that this variant is likely to be tolerated. In summary, the available evidence is currently insufficient to determine the role of this variant in disease. Therefore, it has been classified as a Variant of Uncertain Significance.